The following is an entry in ClinVar:

NM_015910.7(WDPCP):c.452T>C (p.Ile151Thr)

Gene: WDPCP (WD repeat containing planar cell polarity effector; minus strand). Cytogenetic location: 2p15.
Variant type: single nucleotide variant.
Coding change: c.452T>C on transcript NM_015910.7 (MANE Select); coding-DNA position 452, T replaced by C.
Protein change: p.Ile151Thr; replaces isoleucine 151 with threonine.
Molecular consequence: missense variant. On other transcripts: non-coding transcript variant (2).
Genome position (GRCh38, 1-based): chr2:63,439,804, A>G on the plus strand (T>C on the coding strand, the complement: WDPCP is on the minus strand). VCF-style: chr2-63439804-A-G. GRCh37 (hg19) VCF-style: chr2-63666938-A-G.
Other names: c.452T>C (NM_015910.5); c.380T>C, p.Ile127Thr (NM_001354044.2); c.452T>C, p.Ile151Thr (NM_001354045.2); short protein forms I151T, I127T.
Identifiers: ClinVar variation 1990169 (VCV001990169.6), dbSNP rs1295892247, ClinGen allele CA347064089.
Genomic context (GRCh38, chr2:63,439,804, plus strand): 5'-TGGGGGTAATTACCATCACTGATGGTGTCTGAGATGAGCTTCCCCACCAGGCTTCTGTCA[A>G]TCACCACTTTCTCCAGCTGCGGCCCAGAAAGGCTTAGAGACACCAGCACACCTGAACCAA-3'
Protein context (NP_056994.3, residues 141-161): LSGPQLEKVV[Ile151Thr]DRSLVGKLIS

ClinVar aggregate classification (germline): Uncertain significance. Review status: criteria provided, multiple submitters, no conflicts (2 of 4 stars). 3 submissions from 3 submitters: Uncertain significance (2). 1 of the submissions does not count toward it. Last evaluated 2024-12-11.

Conditions:
Inborn genetic diseases. Identifiers: MedGen C0950123, MeSH D030342.
Bardet-Biedl syndrome (BBS). Identifiers: Orphanet 110, MedGen C0752166, MONDO:0015229.
WDPCP-related disorder. Also called: WDPCP-related condition.

Allele frequency attached by ClinVar (database versions not stated): gnomAD exomes below 0.00001.
gnomAD v4.1: 3 of 1,613,288 alleles (0.00019%); highest among the groups gnomAD compares: Non-Finnish European, 0.00025%; no homozygotes.

Submissions (3):

Ambry Genetics
Classification: Uncertain significance for Inborn genetic diseases. Last evaluated: 2024-12-11. Review status: criteria provided, single submitter. Criteria: Ambry Variant Classification Scheme 2023. Collection method: clinical testing. Allele origin: germline.

Labcorp Genetics (formerly Invitae), Labcorp
Classification: Uncertain significance for Bardet-Biedl syndrome. Last evaluated: 2022-08-07. Review status: criteria provided, single submitter. Criteria: Invitae Variant Classification Sherloc (09022015). Collection method: clinical testing. Allele origin: germline.
Comment: This variant has not been reported in the literature in individuals affected with WDPCP-related conditions. Algorithms developed to predict the effect of missense changes on protein structure and function are either unavailable or do not agree on the potential impact of this missense change (SIFT: "Deleterious"; PolyPhen-2: "Probably Damaging"; Align-GVGD: "Class C15"). In summary, the available evidence is currently insufficient to determine the role of this variant in disease. Therefore, it has been classified as a Variant of Uncertain Significance. This variant is not present in population databases (gnomAD no frequency). This sequence change replaces isoleucine, which is neutral and non-polar, with threonine, which is neutral and polar, at codon 151 of the WDPCP protein (p.Ile151Thr).

PreventionGenetics, part of Exact Sciences
Classification: Uncertain significance for WDPCP-related condition. Last evaluated: 2024-05-23. Review status: no assertion criteria provided. Collection method: clinical testing. Allele origin: germline. Not counted in ClinVar's aggregate classification.
Comment: The WDPCP c.452T>C variant is predicted to result in the amino acid substitution p.Ile151Thr. To our knowledge, this variant has not been reported in the literature or in a large population database, indicating this variant is rare. At this time, the clinical significance of this variant is uncertain due to the absence of conclusive functional and genetic evidence.